The following is an entry in ClinVar:

NM_000052.7(ATP7A):c.4006-11T>A

Gene: ATP7A (ATPase copper transporting alpha; plus strand). Cytogenetic location: Xq21.1.
Variant type: single nucleotide variant.
Coding change: c.4006-11T>A on transcript NM_000052.7 (MANE Select); 11 bases into the intron before coding-DNA position 4006, T replaced by A.
Molecular consequence: intron variant.
Genome position (GRCh38, 1-based): chrX:78,043,306, T>A. VCF-style: chrX-78043306-T-A. GRCh37 (hg19) VCF-style: chrX-77298804-T-A.
Other names: c.3772-11T>A (NM_001282224.2).
Identifiers: ClinVar variation 1304434 (VCV001304434.6), dbSNP rs1325784914, ClinGen allele CA878411824.

ClinVar aggregate classification (germline): Conflicting classifications of pathogenicity. Review status: criteria provided, conflicting classifications (1 of 4 stars). 2 submissions from 2 submitters: Uncertain significance (1); Likely benign (1). Last evaluated 2023-08-22.

Conditions:
Menkes kinky-hair syndrome (MNK). Also called: Copper transport disease; Menkes Disease; Classic Menkes Disease. Identifiers: Orphanet 565, MedGen C0022716, MONDO:0010651, OMIM 309400.
Cutis laxa, X-linked (OHS). Also called: EDS IX; Occipital horn syndrome. Identifiers: Orphanet 198, MedGen C0268353, MONDO:0010572, OMIM 304150.
X-linked distal spinal muscular atrophy type 3. Also called: ATP7A-Related Distal Motor Neuropathy; SPINAL MUSCULAR ATROPHY, DISTAL, X-LINKED RECESSIVE; NEURONOPATHY, DISTAL HEREDITARY MOTOR, X-LINKED; NEUROPATHY, DISTAL HEREDITARY MOTOR, X-LINKED. Identifiers: Orphanet 139557, MedGen C1845359, MONDO:0010338, OMIM 300489.

Allele frequency attached by ClinVar (database versions not stated): gnomAD exomes below 0.00001; gnomAD 0.00001; TOPMed 0.00002.
gnomAD v4.1: 2 of 1,144,065 alleles (0.00017%); highest among the groups gnomAD compares: Non-Finnish European, 0.00024%; no homozygotes.

Submissions (2):

Labcorp Genetics (formerly Invitae), Labcorp
Classification: Likely benign for X-linked distal spinal muscular atrophy type 3; Cutis laxa, X-linked; Menkes kinky-hair syndrome. Last evaluated: 2023-08-22. Review status: criteria provided, single submitter. Criteria: Invitae Variant Classification Sherloc (09022015). Collection method: clinical testing. Allele origin: germline.

GeneDx
Classification: Uncertain significance. Last evaluated: 2020-10-19. Review status: criteria provided, single submitter. Criteria: GeneDx Variant Classification Process June 2021. Collection method: clinical testing. Allele origin: germline. Affected: yes.
Comment: Not observed in large population cohorts (Lek et al., 2016); Has not been previously published as pathogenic or benign to our knowledge; In-silico analysis, which includes splice predictors and evolutionary conservation, is inconclusive as to whether the variant alters gene splicing. In the absence of RNA/functional studies, the actual effect of this sequence change is unknown.